The following is an entry in ClinVar:

NM_004820.5(CYP7B1):c.334C>T (p.Arg112Ter)

Gene: CYP7B1 (cytochrome P450 family 7 subfamily B member 1; minus strand). Cytogenetic location: 8q12.3.
Variant type: single nucleotide variant.
Coding change: c.334C>T on transcript NM_004820.5 (MANE Select); coding-DNA position 334, C replaced by T.
Protein change: p.Arg112Ter; replaces arginine 112 with a stop codon.
Molecular consequence: nonsense.
Genome position (GRCh38, 1-based): chr8:64,616,207, G>A on the plus strand (C>T on the coding strand, the complement: CYP7B1 is on the minus strand). VCF-style: chr8-64616207-G-A. GRCh37 (hg19) VCF-style: chr8-65528764-G-A.
Other names: c.334C>T (NM_004820.4); c.334C>T, p.Arg112Ter (NM_001324112.2); short protein forms R112*.
Identifiers: ClinVar variation 219912 (VCV000219912.30), dbSNP rs200737038, ClinGen allele CA350581.
Genomic context (GRCh38, chr8:64,616,207, plus strand): 5'-GATTTTTTTGCAACTGACTGATGCTAAATGCTTTCTCTAATAATTTATTAGAAAATACTC[G>A]AAAGCTTAATTGTTTATGATTTTTTATCACTAGCTGGTACTGGAAGGGGTCCAGGATAAA-3'

ClinVar aggregate classification (germline): Pathogenic. Review status: criteria provided, multiple submitters, no conflicts (2 of 4 stars). 13 submissions from 13 submitters: Pathogenic (11). 2 of the submissions do not count toward it. Last evaluated 2026-05-06.

Conditions:
Spastic paraplegia. Identifiers: MedGen C0037772, HP:0001258.
Inborn genetic diseases. Identifiers: MedGen C0950123, MeSH D030342.
Hereditary spastic paraplegia 5A (SPG5A). Also called: SPASTIC PARAPLEGIA 5A, AUTOSOMAL RECESSIVE. Identifiers: Orphanet 100986, MedGen C1849115, MONDO:0010047, OMIM 270800.
Congenital bile acid synthesis defect 3. Identifiers: Orphanet 79302, MedGen C3151147, MONDO:0013439, OMIM 613812.
Hereditary spastic paraplegia. Also called: Familial spastic paraparesis. Identifiers: Orphanet 685, MedGen C0037773, MONDO:0019064. Disease mechanism: loss of function.
CYP7B1-related disorder. Also called: CYP7B1-related condition.

Allele frequency attached by ClinVar (database versions not stated): gnomAD exomes 0.00004 and 0.00014; TOPMed 0.00004; gnomAD 0.00007; ExAC 0.00015; 1000 Genomes Project 30x 0.00016; 1000 Genomes Project 0.00020.
gnomAD v4.1: 65 of 1,610,756 alleles (0.004%); highest among the groups gnomAD compares: East Asian, 0.065%; no homozygotes.

Submissions (13):

PreventionGenetics, part of Exact Sciences
Classification: Pathogenic for CYP7B1-related condition. Last evaluated: 2026-05-06. Review status: criteria provided, single submitter. Criteria: ACMG Guidelines, 2015. Collection method: clinical testing. Allele origin: germline.
Comment: The CYP7B1 c.334C>T variant is predicted to result in premature protein termination (p.Arg112*). This variant has been reported in the homozygous state in patients with an inborn error of bile acid synthesis (Ueki et al 2008. PubMed ID: 18367963; Chen et al. 2019. PubMed ID: 30366773). In addition, it has been commonly reported in the homozygous state or with a second CYP7B1 variant in patients with hereditary spastic paraplegia (HSP) type 5A (Roos et al. 2014. PubMed ID: 24117163; Chen et al. 2019. PubMed ID: 31227335, Supplementary Table 2). It has been reported to segregate with disease in at least one family with HSP (Goizet et al. 2009. PubMed ID: 19439420) and has been reported to be a possible founder variant in a study of Chinese HSP patients (Dong et al. 2018. PubMed ID: 29980238). This variant is reported in 0.17% of alleles in individuals of East Asian descent in gnomAD. Other nonsense variants both up- and downstream of this location have been reported in individuals with HSP or cholestatic liver disease (Goizet et al. 2009. PubMed ID: 19439420; Coutelier et al. 2018. PubMed ID: 29482223). This variant is interpreted as pathogenic.

Labcorp Genetics (formerly Invitae), Labcorp
Classification: Pathogenic for Spastic paraplegia. Last evaluated: 2025-07-27. Review status: criteria provided, single submitter. Criteria: Invitae Variant Classification Sherloc (09022015). Collection method: clinical testing. Allele origin: germline.
Comment: This sequence change creates a premature translational stop signal (p.Arg112*) in the CYP7B1 gene. It is expected to result in an absent or disrupted protein product. Loss-of-function variants in CYP7B1 are known to be pathogenic (PMID: 9802883, 19363635, 19439420, 21541746, 21567895, 28039895). This variant is present in population databases (rs200737038, gnomAD 0.2%). This premature translational stop signal has been observed in individual(s) with hereditary spastic paraplegia (PMID: 19439420, 24117163, 24641183, 29980238). It has also been observed to segregate with disease in related individuals. ClinVar contains an entry for this variant (Variation ID: 219912). For these reasons, this variant has been classified as Pathogenic.

Victorian Clinical Genetics Services, Murdoch Childrens Research Institute
Classification: Pathogenic for Hereditary spastic paraplegia 5A. Last evaluated: 2024-10-23. Review status: criteria provided, single submitter. Criteria: ACMG Guidelines, 2015. Collection method: clinical testing. Allele origin: germline. Affected: yes.
Comment: This variant is classified as Pathogenic. Evidence in support of pathogenic classification: Variant is predicted to cause nonsense-mediated decay (NMD) and loss of protein (premature termination codon is located at least 54 nucleotides upstream of the final exon-exon junction); Variant is present in gnomAD <0.01 for a recessive condition (v4: 65 heterozygote(s), 0 homozygote(s)); This variant has strong previous evidence of pathogenicity in unrelated individuals. It has been classified as pathogenic by multiple clinical laboratories (ClinVar); Other NMD-predicted variant(s) comparable to the one identified in this case have very strong previous evidence for pathogenicity (DECIPHER). Additional information: This variant is heterozygous; This gene is associated with autosomal recessive disease; Loss of function is a known mechanism of disease in this gene and is associated with congenital bile acid synthesis defect, 3 (MIM#3613812), and autosomal recessive spastic paraplegia 5A (MIM#270800); Inheritance information for this variant is not currently available in this individual.

Blueprint Genetics
Classification: Pathogenic for CYP7B1-related disorders. Last evaluated: 2024-10-21. Review status: criteria provided, single submitter. Criteria: ACMG Guidelines, 2015. Collection method: clinical testing. Allele origin: germline. Affected: yes. Observed: 5 variant alleles.

Fulgent Genetics
Classification: Pathogenic for Hereditary spastic paraplegia 5A; Congenital bile acid synthesis defect 3. Last evaluated: 2024-04-10. Review status: criteria provided, single submitter. Criteria: ACMG Guidelines, 2015. Collection method: clinical testing. Allele origin: germline.

Department of Pathology and Laboratory Medicine, Sinai Health System
Classification: Pathogenic for Hereditary spastic paraplegia 5A; Congenital bile acid synthesis defect 3. Last evaluated: 2023-09-29. Review status: criteria provided, single submitter. Criteria: ACMG Guidelines, 2015. Collection method: research. Allele origin: germline.

GeneDx
Classification: Pathogenic. Last evaluated: 2023-07-26. Review status: criteria provided, single submitter. Criteria: GeneDx Variant Classification Process June 2021. Collection method: clinical testing. Allele origin: germline. Affected: yes.
Comment: Nonsense variant predicted to result in protein truncation or nonsense mediated decay in a gene for which loss of function is a known mechanism of disease; This variant is associated with the following publications: (PMID: 24117163, 25525159, 21567895, 31227335, 31289639, 30366773, 31589614, 33849447, 35572931, 35387662, 21541746, 29980238, 24641183, 18367963, 32202070)

Genome Diagnostics Laboratory, The Hospital for Sick Children
Classification: Pathogenic for Hereditary spastic paraplegia. Last evaluated: 2019-09-01. Review status: criteria provided, single submitter. Criteria: ACMG Guidelines, 2015. Collection method: clinical testing. Allele origin: germline. Affected: yes.

Eurofins Ntd Llc (ga)
Classification: Pathogenic. Last evaluated: 2017-10-09. Review status: criteria provided, single submitter. Criteria: EGL Classification Definitions 2015. Collection method: clinical testing. Allele origin: germline. Observed: 1 variant allele, 1 heterozygote.

Ambry Genetics
Classification: Pathogenic for Inborn genetic diseases. Last evaluated: 2012-12-04. Review status: criteria provided, single submitter. Criteria: Ambry Autosomal Dominant and X-Linked criteria (10/2015). Collection method: clinical testing. Allele origin: germline. Observed: 1 variant allele.
Comment: Please see table 3 in supplementary results of the main report. This variant has not been detected in conjunction with a pathogenic mutation to date. This amino acid position is highly conserved in available vertebrate species.

Juno Genomics, Hangzhou Juno Genomics, Inc
Classification: Pathogenic for Congenital bile acid synthesis defect 3; Hereditary spastic paraplegia 5A. Review status: criteria provided, single submitter. Criteria: ACMG Guidelines, 2015. Collection method: clinical testing. Allele origin: germline.
Comment: Null variant in a gene where loss of function (LOF) is a known mechanism of disease.;For recessive disorders, detected in trans with a pathogenic variant.;Patient's phenotype or family history is highly specific for a disease with a single genetic etiology.;Co-segregation with disease in multiple affected family members.

OMIM
Classification: Pathogenic for BILE ACID SYNTHESIS DEFECT, CONGENITAL, 3. Last evaluated: 2021-03-09. Review status: no assertion criteria provided. Collection method: literature only. Allele origin: germline. Not counted in ClinVar's aggregate classification.

Paris Brain Institute, Inserm - ICM
Classification: Uncertain significance for Spastic paraplegia. Review status: flagged submission. Criteria: ACMG Guidelines, 2015. Collection method: clinical testing. Allele origin: unknown. Affected: yes. Observed: 1 variant allele. Not counted in ClinVar's aggregate classification.
ClinVar note: Reason: Outlier claim with insufficient supporting evidence

Literature cited by the submitters: PubMed 9802883 (cited by Labcorp Genetics (formerly Invitae), Labcorp); PubMed 19363635 (cited by Labcorp Genetics (formerly Invitae), Labcorp); PubMed 19439420 (cited by Labcorp Genetics (formerly Invitae), Labcorp); PubMed 21541746 (cited by Labcorp Genetics (formerly Invitae), Labcorp); PubMed 21567895 (cited by Labcorp Genetics (formerly Invitae), Labcorp); PubMed 28039895 (cited by Labcorp Genetics (formerly Invitae), Labcorp); PubMed 24117163 (cited by Labcorp Genetics (formerly Invitae), Labcorp); PubMed 24641183 (cited by Labcorp Genetics (formerly Invitae), Labcorp); PubMed 29980238 (cited by Labcorp Genetics (formerly Invitae), Labcorp); PubMed 18367963 (cited by OMIM).